The following is an entry in ClinVar:

ClinVar aggregate classification (germline): Uncertain significance (1 of 4 stars; one submission).

Conditions:
Atrial fibrillation, familial, 6 (ATFB6). Identifiers: MedGen C2677294, MONDO:0012816, OMIM 612201.

Allele frequency attached by ClinVar (database versions not stated): gnomAD exomes 0.00001 and 0.00002; ExAC 0.00002; gnomAD 0.00002; TOPMed 0.00002.
gnomAD v4.1: 15 of 1,613,950 alleles (0.00093%); highest among the groups gnomAD compares: Non-Finnish European, 0.00017%; no homozygotes.

Submission:

Labcorp Genetics (formerly Invitae), Labcorp
Classification: Uncertain significance for Atrial fibrillation, familial, 6. Last evaluated: 2022-12-27. Review status: criteria provided, single submitter. Criteria: Invitae Variant Classification Sherloc (09022015). Collection method: clinical testing. Allele origin: germline.
Comment: ClinVar contains an entry for this variant (Variation ID: 1437686). In summary, the available evidence is currently insufficient to determine the role of this variant in disease. Therefore, it has been classified as a Variant of Uncertain Significance. Algorithms developed to predict the effect of missense changes on protein structure and function output the following: SIFT: "Tolerated"; PolyPhen-2: "Not Available"; Align-GVGD: "Class C0". The leucine amino acid residue is found in multiple mammalian species, which suggests that this missense change does not adversely affect protein function. This variant has not been reported in the literature in individuals affected with NPPA-related conditions. This variant is present in population databases (rs766292107, gnomAD 0.04%). This sequence change replaces phenylalanine, which is neutral and non-polar, with leucine, which is neutral and non-polar, at codon 17 of the NPPA protein (p.Phe17Leu).

NM_006172.4(NPPA):c.49T>C (p.Phe17Leu)

Genes: NPPA (natriuretic peptide A; minus strand), LOC114827827 (VISTA enhancer hs2123; plus strand). Cytogenetic location: 1p36.22.
Variant type: single nucleotide variant.
Coding change: c.49T>C on transcript NM_006172.4 (MANE Select); coding-DNA position 49, T replaced by C.
Protein change: p.Phe17Leu; replaces phenylalanine 17 with leucine.
Molecular consequence: missense variant.
Genome position (GRCh38, 1-based): chr1:11,847,636, A>G on the plus strand (T>C on the coding strand, the complement: NPPA is on the minus strand). VCF-style: chr1-11847636-A-G. GRCh37 (hg19) VCF-style: chr1-11907693-A-G.
Other names: short protein forms F17L.
Identifiers: ClinVar variation 1437686 (VCV001437686.8), dbSNP rs766292107, ClinGen allele CA597126.